The following is an entry in ClinVar:

NM_001374828.1(ARID1B):c.4260G>T (p.Thr1420=)

Gene: ARID1B (AT-rich interaction domain 1B; plus strand). Cytogenetic location: 6q25.3.
Variant type: single nucleotide variant.
Coding change: c.4260G>T on transcript NM_001374828.1 (MANE Select); coding-DNA position 4260, G replaced by T.
Protein change: p.Thr1420=; no amino-acid change (threonine 1420 retained).
Molecular consequence: synonymous variant.
Genome position (GRCh38, 1-based): chr6:157,196,193, G>T. VCF-style: chr6-157196193-G-T. GRCh37 (hg19) VCF-style: chr6-157517327-G-T.
Other names: c.4011G>T, p.Thr1337= (NM_001346813.1); c.1761G>T, p.Thr587= (NM_001363725.2); c.4140G>T, p.Thr1380= (NM_001371656.1, NM_001374820.1); c.4101G>T, p.Thr1367= (NM_017519.3); c.3891G>T, p.Thr1297= (NM_020732.3); c.3678G>T, p.Thr1226= (NM_175863.2).
Identifiers: ClinVar variation 2737514 (VCV002737514.7), dbSNP rs374823620, ClinGen allele CA4067579.

ClinVar aggregate classification (germline): Likely benign. Review status: criteria provided, multiple submitters, no conflicts (2 of 4 stars). 2 submissions from 2 submitters: Likely benign (2). Last evaluated 2026-02-01.

gnomAD v4.1: 16 of 1,613,176 alleles (0.00099%); highest among the groups gnomAD compares: Admixed American, 0.027%; no homozygotes.

Submissions (2):

CeGaT Center for Human Genetics Tuebingen
Classification: Likely benign. Last evaluated: 2026-02-01. Review status: criteria provided, single submitter. Criteria: CeGaT Center For Human Genetics Tuebingen Variant Classification Criteria Version 2. Collection method: clinical testing. Allele origin: germline. Affected: yes. Observed: 1 variant allele.
Comment: ARID1B: BP4, BP7

Labcorp Genetics (formerly Invitae), Labcorp
Classification: Likely benign. Last evaluated: 2024-04-22. Review status: criteria provided, single submitter. Criteria: Invitae Variant Classification Sherloc (09022015). Collection method: clinical testing. Allele origin: germline.